The following is an entry in ClinVar:

NM_007294.4(BRCA1):c.4443A>G (p.Ala1481=)

Gene: BRCA1 (BRCA1 DNA repair associated; minus strand). Cytogenetic location: 17q21.31.
Variant type: single nucleotide variant.
Coding change: c.4443A>G on transcript NM_007294.4 (MANE Select); coding-DNA position 4443, A replaced by G.
Protein change: p.Ala1481=; no amino-acid change (alanine 1481 retained).
Molecular consequence: synonymous variant. On other transcripts: intron variant (3).
Genome position (GRCh38, 1-based): chr17:43,076,529, T>C on the plus strand (A>G on the coding strand, the complement: BRCA1 is on the minus strand). VCF-style: chr17-43076529-T-C. GRCh37 (hg19) VCF-style: chr17-41228546-T-C.
Other names: c.4230A>G, p.Ala1410= (NM_001407571.1, NM_001407894.1, NM_001407895.1 and 12 more transcripts); c.4509A>G, p.Ala1503= (NM_001407581.1, NM_001407582.1); c.4506A>G, p.Ala1502= (NM_001407583.1, NM_001407585.1, NM_001407587.1 and 1 more transcripts); c.4503A>G, p.Ala1501= (NM_001407590.1, NM_001407591.1); c.4443A>G, p.Ala1481= (NM_001407593.1, NM_001407594.1, NM_001407596.1 and 8 more transcripts); c.4440A>G, p.Ala1480= (NM_001407610.1, NM_001407611.1, NM_001407612.1 and 17 more transcripts); c.4437A>G, p.Ala1479= (NM_001407627.1, NM_001407628.1, NM_001407629.1 and 14 more transcripts); c.4434A>G, p.Ala1478= (NM_001407644.1, NM_001407645.1); and 71 more.
Identifiers: ClinVar variation 2681812 (VCV002681812.1), dbSNP rs1555582589, ClinGen allele CA500146799.
Genomic context (GRCh38, chr17:43,076,529, plus strand): 5'-TTACATTGATGTTTCTTACCTTTCCACTCCTGGTTCTTTATTTTTACTGGTAGAACTATC[T>C]GCAGACACCTCAAACTTGTCAGCAGAAAGGCCTTCTGGATTCTGGCTTATAGGGTATTCA-3'
Protein context (NP_009225.1, residues 1471-1491): GLSADKFEVS[Ala1481=]DSSTSKNKEP

ClinVar aggregate classification (germline): Uncertain significance (1 of 4 stars; one submission).

Allele frequency attached by ClinVar (database versions not stated): gnomAD exomes below 0.00001.
gnomAD v4.1: 2 of 1,613,890 alleles (0.00012%); highest among the groups gnomAD compares: South Asian, 0.0022%; no homozygotes.

Submission:

Quest Diagnostics Nichols Institute San Juan Capistrano
Classification: Uncertain significance. Last evaluated: 2023-05-17. Review status: criteria provided, single submitter. Criteria: Quest Diagnostics criteria. Collection method: clinical testing. Allele origin: unknown.
Comment: To the best of our knowledge, this variant has not been reported in the published literature. It also has not been reported in large, multi-ethnic general populations (Genome Aggregation Database). Analysis of this variant using software algorithms for the prediction of the effect of nucleotide changes on splicing yielded predictions that this variant does not affect BRCA1 mRNA splicing . Based on the available information, we are unable to determine the clinical significance of this variant.